The following is an entry in ClinVar:

NM_033004.4(NLRP1):c.3214C>G (p.Pro1072Ala)

Gene: NLRP1 (NLR family pyrin domain containing 1; minus strand). Cytogenetic location: 17p13.2.
Variant type: single nucleotide variant.
Coding change: c.3214C>G on transcript NM_033004.4 (MANE Select); coding-DNA position 3214, C replaced by G.
Protein change: p.Pro1072Ala; replaces proline 1072 with alanine.
Molecular consequence: missense variant.
Genome position (GRCh38, 1-based): chr17:5,532,904, G>C on the plus strand (C>G on the coding strand, the complement: NLRP1 is on the minus strand). VCF-style: chr17-5532904-G-C. GRCh37 (hg19) VCF-style: chr17-5436224-G-C.
Other names: c.3226C>G, p.Pro1076Ala (NM_001033053.3); c.3214C>G, p.Pro1072Ala (NM_014922.5); c.3124C>G, p.Pro1042Ala (NM_033006.4, NM_033007.4); short protein forms P1042A, P1072A, P1076A.
Identifiers: ClinVar variation 2420973 (VCV002420973.6), dbSNP rs149973177, ClinGen allele CA8326897.

ClinVar aggregate classification (germline): Uncertain significance (1 of 4 stars; one submission).

Allele frequency attached by ClinVar (database versions not stated): ESP Exome Variant Server 0.00008.
gnomAD v4.1: 20 of 1,613,868 alleles (0.0012%); highest among the groups gnomAD compares: African/African-American, 0.0067%; no homozygotes.

Submission:

Labcorp Genetics (formerly Invitae), Labcorp
Classification: Uncertain significance. Last evaluated: 2026-02-01. Review status: criteria provided, single submitter. Criteria: Invitae Variant Classification Sherloc (09022015). Collection method: clinical testing. Allele origin: germline.
Comment: This sequence change replaces proline, which is neutral and non-polar, with alanine, which is neutral and non-polar, at codon 1072 of the NLRP1 protein (p.Pro1072Ala). This variant is present in population databases (rs149973177, gnomAD 0.008%). This variant has not been reported in the literature in individuals affected with NLRP1-related conditions. ClinVar contains an entry for this variant (Variation ID: 2420973). An algorithm developed to predict the effect of missense changes on protein structure and function outputs the following: PolyPhen-2: "Benign". The alanine amino acid residue is found in multiple mammalian species, which suggests that this missense change does not adversely affect protein function. In summary, the available evidence is currently insufficient to determine the role of this variant in disease. Therefore, it has been classified as a Variant of Uncertain Significance.